The following is an entry in ClinVar:

NM_002691.4(POLD1):c.419A>G (p.His140Arg)

Gene: POLD1 (DNA polymerase delta 1, catalytic subunit; plus strand). Cytogenetic location: 19q13.33.
Variant type: single nucleotide variant.
Coding change: c.419A>G on transcript NM_002691.4 (MANE Select); coding-DNA position 419, A replaced by G.
Protein change: p.His140Arg; replaces histidine 140 with arginine.
Molecular consequence: missense variant. On other transcripts: non-coding transcript variant (1).
Genome position (GRCh38, 1-based): chr19:50,401,880, A>G. VCF-style: chr19-50401880-A-G. GRCh37 (hg19) VCF-style: chr19-50905137-A-G.
Other names: c.419A>G, p.His140Arg (NM_001256849.1, NM_001308632.1); c.419A>G (NM_002691.2); short protein forms H140R.
Identifiers: ClinVar variation 641129 (VCV000641129.11), dbSNP rs1601198706, ClinGen allele CA406972572.

ClinVar aggregate classification (germline): Uncertain significance. Review status: criteria provided, multiple submitters, no conflicts (2 of 4 stars). 2 submissions from 2 submitters: Uncertain significance (2). Last evaluated 2025-11-18.

Conditions:
Hereditary cancer-predisposing syndrome. Also called: Hereditary neoplastic syndrome; Tumor predisposition; Hereditary Cancer Syndrome; Neoplastic Syndromes, Hereditary. Identifiers: Orphanet 140162, MedGen C0027672, MeSH D009386, MONDO:0015356.
POLD1-related polyposis and colorectal cancer syndrome (CRCS10). Also called: Colorectal cancer, susceptibility to, 10; Colorectal cancer 10; COLORECTAL CANCER, SUSCEPTIBILITY TO, ON CHROMOSOME 19q. Identifiers: Orphanet 220460, MedGen C2675481, MONDO:0012953, OMIM 612591.

Allele frequency attached by ClinVar (database versions not stated): gnomAD exomes below 0.00001; TOPMed below 0.00001.
gnomAD v4.1: 7 of 1,613,972 alleles (0.00043%); highest among the groups gnomAD compares: East Asian, 0.0022%; no homozygotes.

Submissions (2):

Labcorp Genetics (formerly Invitae), Labcorp
Classification: Uncertain significance for POLD1-related polyposis and colorectal cancer syndrome. Last evaluated: 2025-11-18. Review status: criteria provided, single submitter. Criteria: Invitae Variant Classification Sherloc (09022015). Collection method: clinical testing. Allele origin: germline.
Comment: This sequence change replaces histidine, which is basic and polar, with arginine, which is basic and polar, at codon 140 of the POLD1 protein (p.His140Arg). This variant is not present in population databases (gnomAD no frequency). This variant has not been reported in the literature in individuals affected with POLD1-related conditions. ClinVar contains an entry for this variant (Variation ID: 641129). Invitae Evidence Modeling of protein sequence and biophysical properties (such as structural, functional, and spatial information, amino acid conservation, physicochemical variation, residue mobility, and thermodynamic stability) indicates that this missense variant is not expected to disrupt POLD1 protein function with a negative predictive value of 80%. In summary, the available evidence is currently insufficient to determine the role of this variant in disease. Therefore, it has been classified as a Variant of Uncertain Significance.

Ambry Genetics
Classification: Uncertain significance for Hereditary cancer-predisposing syndrome. Last evaluated: 2025-10-03. Review status: criteria provided, single submitter. Criteria: Ambry Variant Classification Scheme 2023. Collection method: clinical testing. Allele origin: germline.
Comment: The p.H140R variant (also known as c.419A>G), located in coding exon 3 of the POLD1 gene, results from an A to G substitution at nucleotide position 419. The histidine at codon 140 is replaced by arginine, an amino acid with highly similar properties. This amino acid position is conserved. In addition, the in silico prediction for this alteration is inconclusive. Since supporting evidence is limited at this time, the clinical significance of this alteration remains unclear.